The following is an entry in ClinVar:

NM_001940.4(ATN1):c.1508_1509insGCAGCAGCAGCAGCAGCAGCATCA (p.Gln502_His503insGlnGlnGlnGlnGlnGlnGlnHis)

Genes: ATN1 (atrophin 1; plus strand), LOC109461484 (atrophin 1 repeat instability region; plus strand). Cytogenetic location: 12p13.31.
Variant type: Microsatellite.
Coding change: c.1508_1509insGCAGCAGCAGCAGCAGCAGCATCA on transcript NM_001940.4 (MANE Select); coding-DNA positions 1508 to 1509, GCAGCAGCAGCAGCAGCAGCATCA inserted.
Protein change: p.Gln502_His503insGlnGlnGlnGlnGlnGlnGlnHis.
Molecular consequence: inframe insertion.
Genome position: GRCh38 VCF-style: chr12-6936773-G-GCAGCAGCAGCAGCAGCAGCAGCAT. GRCh37 (hg19) VCF-style: chr12-7045936-G-GCAGCAGCAGCAGCAGCAGCAGCAT.
Other names: c.1508_1509insGCAGCAGCAGCAGCAGCAGCATCA, p.Gln502_His503insGlnGlnGlnGlnGlnGlnGlnHis (NM_001007026.2, NM_001424176.1, NM_001424177.1 and 1 more transcripts); c.1505_1506insGCAGCAGCAGCAGCAGCAGCATCA, p.Gln501_His502insGlnGlnGlnGlnGlnGlnGlnHis (NM_001424179.1, NM_001424180.1).
Identifiers: ClinVar variation 4075762 (VCV004075762.1).

ClinVar aggregate classification (germline): Benign (1 of 4 stars; one submission).

Conditions:
Congenital hypotonia, epilepsy, developmental delay, and digital anomalies (CHEDDA). Also called: ATN1-Related Neurodevelopmental Disorder. Identifiers: MedGen C5193125, MONDO:0032781, OMIM 618494.

Submission:

GeNE CliniK, Regional Hospital Limbe
Classification: Benign for Congenital hypotonia, epilepsy, developmental delay, and digital anomalies. Last evaluated: 2025-01-29. Review status: criteria provided, single submitter. Criteria: ACMG Guidelines, 2015. Collection method: research. Allele origin: maternal. Inheritance: Autosomal dominant inheritance. Affected: no.
Comment: The ATN1 NM_001940.4:c.1508_1509insGCAGCAGCAGCAGCAGCAGCATCA (p.Gln502_His503insGlnGlnGlnGlnGlnGlnGlnHis) is an inframe insertion that results in the addition of seven glutamine residues and one histidine between codons 502 and 503. This variant has been reported in population databases (gnomAD exome MAF: 1.31 × 10⁻⁵; gnomAD genome MAF: 7.00 × 10⁻⁶). This variant has been classified as Benign based on ACMG/AMP criteria (BS1, BP7).